The following is an entry in ClinVar:

NM_152564.5(VPS13B):c.8121C>G (p.Ile2707Met)

Gene: VPS13B (vacuolar protein sorting 13 homolog B; plus strand). Cytogenetic location: 8q22.2.
Variant type: single nucleotide variant.
Coding change: c.8121C>G on transcript NM_152564.5 (MANE Select); coding-DNA position 8121, C replaced by G.
Protein change: p.Ile2707Met; replaces isoleucine 2707 with methionine.
Molecular consequence: missense variant.
Genome position (GRCh38, 1-based): chr8:99,817,563, C>G. VCF-style: chr8-99817563-C-G. GRCh37 (hg19) VCF-style: chr8-100829791-C-G.
Other names: c.8196C>G, p.Ile2732Met (NM_017890.5); short protein forms I2732M, I2707M.
Identifiers: ClinVar variation 2093226 (VCV002093226.6), dbSNP rs2492005572, ClinGen allele CA371772364.

ClinVar aggregate classification (germline): Uncertain significance. Review status: criteria provided, multiple submitters, no conflicts (2 of 4 stars). 3 submissions from 3 submitters: Uncertain significance (2). 1 of the submissions does not count toward it. Last evaluated 2022-10-09.

Conditions:
Cohen syndrome (COH1). Also called: PEPPER SYNDROME; Cutis verticis gyrata, retinitis pigmentosa, and sensorineural deafness. Identifiers: Orphanet 193, MedGen C0265223, MONDO:0008999, OMIM 216550.
VPS13B-related disorder. Also called: VPS13B-related condition.

Submissions (3):

Blueprint Genetics
Classification: Uncertain significance. Last evaluated: 2022-10-09. Review status: criteria provided, single submitter. Criteria: ACMG Guidelines, 2015. Collection method: clinical testing. Allele origin: germline.

Labcorp Genetics (formerly Invitae), Labcorp
Classification: Uncertain significance for Cohen syndrome. Last evaluated: 2022-05-10. Review status: criteria provided, single submitter. Criteria: Invitae Variant Classification Sherloc (09022015). Collection method: clinical testing. Allele origin: germline.
Comment: In summary, the available evidence is currently insufficient to determine the role of this variant in disease. Therefore, it has been classified as a Variant of Uncertain Significance. Algorithms developed to predict the effect of missense changes on protein structure and function are either unavailable or do not agree on the potential impact of this missense change (SIFT: "Not Available"; PolyPhen-2: "Benign"; Align-GVGD: "Not Available"). This variant has not been reported in the literature in individuals affected with VPS13B-related conditions. This variant is not present in population databases (gnomAD no frequency). This sequence change replaces isoleucine, which is neutral and non-polar, with methionine, which is neutral and non-polar, at codon 2732 of the VPS13B protein (p.Ile2732Met).

PreventionGenetics, part of Exact Sciences
Classification: Uncertain significance for VPS13B-related condition. Last evaluated: 2024-09-14. Review status: no assertion criteria provided. Collection method: clinical testing. Allele origin: germline. Not counted in ClinVar's aggregate classification.
Comment: The VPS13B c.8121C>G variant is predicted to result in the amino acid substitution p.Ile2707Met. To our knowledge, this variant has not been reported in the literature or in a large population database, indicating this variant is rare. At this time, the clinical significance of this variant is uncertain due to the absence of conclusive functional and genetic evidence.